The following is an entry in ClinVar:

NM_020738.4(KIDINS220):c.1128T>C (p.Ile376=)

Gene: KIDINS220 (kinase D interacting substrate 220; minus strand). Cytogenetic location: 2p25.1.
Variant type: single nucleotide variant.
Coding change: c.1128T>C on transcript NM_020738.4 (MANE Select); coding-DNA position 1128, T replaced by C.
Protein change: p.Ile376=; no amino-acid change (isoleucine 376 retained).
Molecular consequence: synonymous variant. On other transcripts: non-coding transcript variant (2).
Genome position (GRCh38, 1-based): chr2:8,793,958, A>G on the plus strand (T>C on the coding strand, the complement: KIDINS220 is on the minus strand). VCF-style: chr2-8793958-A-G. GRCh37 (hg19) VCF-style: chr2-8934088-A-G.
Other names: c.1131T>C, p.Ile377= (NM_001348729.2, NM_001348731.2, NM_001348734.2 and 3 more transcripts); c.1128T>C, p.Ile376= (NM_001348732.2, NM_001348735.2, NM_001348738.2 and 3 more transcripts); c.1002T>C, p.Ile334= (NM_001348736.2).
Identifiers: ClinVar variation 4984919 (VCV004984919.1).

ClinVar aggregate classification (germline): Likely benign (1 of 4 stars; one submission).

Conditions:
KIDINS220-related disorder. Also called: KIDINS220-related condition.

gnomAD v4.1: 6 of 1,613,152 alleles (0.00037%); highest among the groups gnomAD compares: Non-Finnish European, 0.00051%; no homozygotes.

Submission:

PreventionGenetics, part of Exact Sciences
Classification: Likely benign for KIDINS220-related condition. Last evaluated: 2025-06-30. Review status: criteria provided, single submitter. Criteria: ACMG Guidelines, 2015. Collection method: clinical testing. Allele origin: germline.
Comment: This variant is classified as likely benign based on ACMG/AMP sequence variant interpretation guidelines (Richards et al. 2015 PMID: 25741868, with internal and published modifications).